The following is an entry in ClinVar:

NM_003000.3(SDHB):c.317A>G (p.Asn106Ser)

Gene: SDHB (succinate dehydrogenase complex iron sulfur subunit B; minus strand). Cytogenetic location: 1p36.13.
Variant type: single nucleotide variant.
Coding change: c.317A>G on transcript NM_003000.3 (MANE Select); coding-DNA position 317, A replaced by G.
Protein change: p.Asn106Ser; replaces asparagine 106 with serine.
Molecular consequence: missense variant.
Genome position (GRCh38, 1-based): chr1:17,028,706, T>C on the plus strand (A>G on the coding strand, the complement: SDHB is on the minus strand). VCF-style: chr1-17028706-T-C. GRCh37 (hg19) VCF-style: chr1-17355201-T-C.
Other names: short protein forms N106S.
Identifiers: ClinVar variation 412463 (VCV000412463.28), dbSNP rs934514080, ClinGen allele CA16609940.

ClinVar aggregate classification (germline): Uncertain significance. Review status: criteria provided, multiple submitters, no conflicts (2 of 4 stars). 8 submissions from 8 submitters: Uncertain significance (8). Last evaluated 2026-09-10.

Conditions:
Gastrointestinal stromal tumor. Also called: Gastrointestinal stromal tumor, somatic; Gastrointestinal stroma tumor. Identifiers: Orphanet 44890, MedGen C0238198, MeSH D046152, MONDO:0011719, OMIM 606764, HP:0100723.
Pheochromocytoma/paraganglioma syndrome 4. Also called: SDHB-Related Hereditary Paraganglioma-Pheochromocytoma Syndrome; Paragangliomas 4; PARAGANGLIOMA, FAMILIAL MALIGNANT; PARAGANGLIOMAS, HEREDITARY EXTRAADRENAL; PHEOCHROMOCYTOMA, FAMILIAL EXTRAADRENAL; SDHB-Related Hereditary Paraganglioma-Pheochromocytoma Syndrome (Paragangliomas 4). Identifiers: Orphanet 29072, MedGen C1861848, MONDO:0007273, OMIM 115310.
Pheochromocytoma. Also called: MAX-Related Hereditary Paraganglioma-Pheochromocytoma Syndrome. Identifiers: Orphanet 29072, MedGen C0031511, MONDO:0008233, OMIM 171300, HP:0002666.
Carney-Stratakis syndrome. Also called: PARAGANGLIOMA AND GASTROINTESTINAL STROMAL TUMOR. Identifiers: Orphanet 97286, MedGen C1847319, MONDO:0011740, OMIM 606864.
Mitochondrial complex 2 deficiency, nuclear type 4. Also called: MITOCHONDRIAL COMPLEX II DEFICIENCY, NUCLEAR TYPE 4. Identifiers: MedGen C5543176, MONDO:0030974, OMIM 619224.
Hereditary pheochromocytoma and paraganglioma. Also called: Hereditary paragangliomas and pheochromocytomas; Hereditary pheochromocytoma-paraganglioma; Hereditary Paraganglioma-Pheochromocytoma Syndromes. Identifiers: Orphanet 29072, MedGen C4274332, MONDO:0017366.
Hereditary cancer-predisposing syndrome. Also called: Neoplastic Syndromes, Hereditary; Hereditary Cancer Syndrome; Tumor predisposition; Hereditary neoplastic syndrome. Identifiers: Orphanet 140162, MedGen C0027672, MeSH D009386, MONDO:0015356.

Allele frequency attached by ClinVar (database versions not stated): gnomAD exomes below 0.00001; gnomAD 0.00005 and 0.00006; TOPMed 0.00012.
gnomAD v4.1: 18 of 1,614,044 alleles (0.0011%); highest among the groups gnomAD compares: Middle Eastern, 0.016%; no homozygotes.

Submissions (8):

Ambry Genetics
Classification: Uncertain significance for Hereditary cancer-predisposing syndrome. Last evaluated: 2026-09-10. Review status: criteria provided, single submitter. Criteria: Ambry Variant Classification Scheme 2023. Collection method: clinical testing. Allele origin: germline.
Comment: The c.317A>G (p.N106S) alteration is located in exon 4 (coding exon 4) of the SDHB gene. This alteration results from a A to G substitution at nucleotide position 317, causing the asparagine (N) at amino acid position 106 to be replaced by a serine (S). Based on data from gnomAD, the G allele has an overall frequency of 0.003% (1/31396) total alleles studied. The highest observed frequency was 0.012% (1/8710) of African alleles. Based on insufficient or conflicting evidence, the clinical significance of this alteration remains unclear.

Labcorp Genetics (formerly Invitae), Labcorp
Classification: Uncertain significance for Gastrointestinal stromal tumor; Pheochromocytoma/paraganglioma syndrome 4; Pheochromocytoma. Last evaluated: 2025-12-03. Review status: criteria provided, single submitter. Criteria: Invitae Variant Classification Sherloc (09022015). Collection method: clinical testing. Allele origin: germline.
Comment: This sequence change replaces asparagine, which is neutral and polar, with serine, which is neutral and polar, at codon 106 of the SDHB protein (p.Asn106Ser). The frequency data for this variant in the population databases is considered unreliable, as metrics indicate poor data quality at this position in the gnomAD database. This missense change has been observed in individual(s) with breast cancer and/or paraganglioma-pheochromocytoma syndrome (PMID: 31780696, 34906457). ClinVar contains an entry for this variant (Variation ID: 412463). Invitae Evidence Modeling of protein sequence and biophysical properties (such as structural, functional, and spatial information, amino acid conservation, physicochemical variation, residue mobility, and thermodynamic stability) indicates that this missense variant is not expected to disrupt SDHB protein function with a negative predictive value of 80%. RNA analysis performed to evaluate the impact of this missense change on mRNA splicing indicates it does not significantly alter splicing (internal data). In summary, the available evidence is currently insufficient to determine the role of this variant in disease. Therefore, it has been classified as a Variant of Uncertain Significance.

Color Diagnostics, LLC DBA Color Health
Classification: Uncertain significance for Hereditary pheochromocytoma and paraganglioma. Last evaluated: 2025-08-27. Review status: criteria provided, single submitter. Criteria: ACMG Guidelines, 2015. Collection method: clinical testing. Allele origin: germline.
Comment: This missense variant replaces asparagine with serine at codon 106 of the SDHB protein. Computational prediction is inconclusive regarding the impact of this variant on protein structure and function. To our knowledge, functional studies have not been reported for this variant. This variant has been reported in an individual affected with paraganglioma-pheochromocytoma syndrome (PMID: 34906457). This variant has been identified in 1/31396 chromosomes in the general population by the Genome Aggregation Database (gnomAD). The available evidence is insufficient to determine the role of this variant in disease conclusively. Therefore, this variant is classified as a Variant of Uncertain Significance.

Center for Genomic Medicine, Rigshospitalet, Copenhagen University Hospital
Classification: Uncertain significance. Last evaluated: 2025-03-04. Review status: criteria provided, single submitter. Criteria: ACMG Guidelines, 2015. Collection method: clinical testing. Allele origin: germline.

All of Us Research Program, National Institutes of Health
Classification: Uncertain significance for Hereditary pheochromocytoma and paraganglioma. Last evaluated: 2024-09-23. Review status: criteria provided, single submitter. Criteria: ACMG Guidelines, 2015. Collection method: clinical testing. Allele origin: germline. Inheritance: Autosomal dominant inheritance. Observed: 10 variant alleles, 10 heterozygotes.
Comment: This missense variant replaces asparagine with serine at codon 106 of the SDHB protein. Computational prediction is inconclusive regarding the impact of this variant on protein structure and function (internally defined REVEL score threshold 0.5 < inconclusive < 0.7, PMID: 27666373). To our knowledge, functional studies have not been reported for this variant. This variant has not been reported in individuals affected with SDHB-related disorders in the literature. This variant has been identified in 1/31396 chromosomes in the general population by the Genome Aggregation Database (gnomAD). The available evidence is insufficient to determine the role of this variant in disease conclusively. Therefore, this variant is classified as a Variant of Uncertain Significance.

This study involves interpretation of variants in research participants for the purpose of population health screening. Participant phenotype was not available at the time of variant classification. Additional details can be found in publication PMID: 35346344, PMCID: PMC8962531

Fulgent Genetics
Classification: Uncertain significance for Pheochromocytoma/paraganglioma syndrome 4; Gastrointestinal stromal tumor; Carney-Stratakis syndrome; Mitochondrial complex 2 deficiency, nuclear type 4. Last evaluated: 2024-01-29. Review status: criteria provided, single submitter. Criteria: ACMG Guidelines, 2015. Collection method: clinical testing. Allele origin: germline.

Baylor Genetics
Classification: Uncertain significance for Gastrointestinal stromal tumor. Last evaluated: 2023-12-20. Review status: criteria provided, single submitter. Criteria: ACMG Guidelines, 2015. Collection method: clinical testing. Allele origin: unknown.

GeneDx
Classification: Uncertain significance. Last evaluated: 2023-12-06. Review status: criteria provided, single submitter. Criteria: GeneDx Variant Classification Process June 2021. Collection method: clinical testing. Allele origin: germline. Affected: yes.
Comment: Not observed at significant frequency in large population cohorts (gnomAD); In silico analysis, which includes protein predictors and evolutionary conservation, supports that this variant does not alter protein structure/function; Observed in individuals with breast cancer, pheochromocytoma and/or paraganglioma (PMID: 31780696, 34906457); This variant is associated with the following publications: (PMID: 34906457, 31780696)

Literature cited by the submitters: PubMed 31780696 (cited by Labcorp Genetics (formerly Invitae), Labcorp and Center for Genomic Medicine, Rigshospitalet, Copenhagen University Hospital); PubMed 34906457 (cited by Labcorp Genetics (formerly Invitae), Labcorp and Color Diagnostics, LLC DBA Color Health).